The following is an entry in ClinVar:

ClinVar aggregate classification (germline): Uncertain significance (1 of 4 stars; one submission).

Submission:

Labcorp Genetics (formerly Invitae), Labcorp
Classification: Uncertain significance. Last evaluated: 2022-11-02. Review status: criteria provided, single submitter. Criteria: Invitae Variant Classification Sherloc (09022015). Collection method: clinical testing. Allele origin: germline.
Comment: In summary, the available evidence is currently insufficient to determine the role of this variant in disease. Therefore, it has been classified as a Variant of Uncertain Significance. Advanced modeling of protein sequence and biophysical properties (such as structural, functional, and spatial information, amino acid conservation, physicochemical variation, residue mobility, and thermodynamic stability) performed at Invitae indicates that this missense variant is expected to disrupt CFI protein function. This variant has not been reported in the literature in individuals affected with CFI-related conditions. This variant is not present in population databases (gnomAD no frequency). This sequence change replaces tyrosine, which is neutral and polar, with histidine, which is basic and polar, at codon 499 of the CFI protein (p.Tyr499His).

NM_000204.5(CFI):c.1495T>C (p.Tyr499His)

Gene: CFI (complement factor I; minus strand). Cytogenetic location: 4q25.
Variant type: single nucleotide variant.
Coding change: c.1495T>C on transcript NM_000204.5 (MANE Select); coding-DNA position 1495, T replaced by C.
Protein change: p.Tyr499His; replaces tyrosine 499 with histidine.
Molecular consequence: missense variant. On other transcripts: non-coding transcript variant (3).
Genome position (GRCh38, 1-based): chr4:109,742,530, A>G on the plus strand (T>C on the coding strand, the complement: CFI is on the minus strand). VCF-style: chr4-109742530-A-G. GRCh37 (hg19) VCF-style: chr4-110663686-A-G.
Other names: c.1519T>C, p.Tyr507His (NM_001318057.2, NM_001375278.1); c.1474T>C, p.Tyr492His (NM_001331035.2, NM_001375280.1, NM_001375282.1); c.1495T>C, p.Tyr499His (NM_001375279.1, NM_001375281.1); c.1438T>C, p.Tyr480His (NM_001375283.1); c.886T>C, p.Tyr296His (NM_001375284.1); short protein forms Y296H, Y480H, Y492H, Y499H, Y507H.
Identifiers: ClinVar variation 2811464 (VCV002811464.3), dbSNP rs2545363554, ClinGen allele CA357855073.